The following is an entry in ClinVar:

NM_000271.5(NPC1):c.3731_3732delinsCT (p.Leu1244Pro)

Gene: NPC1 (NPC intracellular cholesterol transporter 1; minus strand). Cytogenetic location: 18q11.2.
Variant type: Indel.
Coding change: c.3731_3732delinsCT on transcript NM_000271.5 (MANE Select); coding-DNA positions 3731 to 3732, TC replaced by CT.
Protein change: p.Leu1244Pro; replaces leucine 1244 with proline.
Molecular consequence: missense variant.
Genome position (GRCh38, 1-based): chr18:23,533,377-23,533,378, GA replaced by AG on the plus strand (TC replaced by CT on the coding strand, the reverse complement: NPC1 is on the minus strand). VCF-style: chr18-23533377-GA-AG. GRCh37 (hg19) VCF-style: chr18-21113341-GA-AG.
Other names: short protein forms L1244P.
Identifiers: ClinVar variation 4819297 (VCV004819297.1).

ClinVar aggregate classification (germline): Likely pathogenic (1 of 4 stars; one submission).

Conditions:
Niemann-Pick disease, type C1. Also called: NIEMANN-PICK DISEASE, VARIANT TYPE C1; NEUROVISCERAL STORAGE DISEASE WITH VERTICAL SUPRANUCLEAR OPHTHALMOPLEGIA; NIEMANN-PICK DISEASE WITH CHOLESTEROL ESTERIFICATION BLOCK; NIEMANN-PICK DISEASE WITHOUT SPHINGOMYELINASE DEFICIENCY; NIEMANN-PICK DISEASE, CHRONIC NEURONOPATHIC FORM. Identifiers: Orphanet 646, MedGen C3179455, MONDO:0009757, OMIM 257220.

Submission:

Institute of Human Genetics, Heidelberg University
Classification: Likely pathogenic for Niemann-Pick disease, type C1. Last evaluated: 2026-02-26. Review status: criteria provided, single submitter. Criteria: ACMG Guidelines, 2015. Collection method: clinical testing. Allele origin: de novo. Observed: 1 variant allele.
Comment: PM3, PS2_supp, PS3_supp, PM2_supp, PP3